The following is an entry in ClinVar:

NM_015021.3(ZNF292):c.168+13941G>T

Gene: ZNF292 (zinc finger protein 292; plus strand). Cytogenetic location: 6q14.3.
Variant type: single nucleotide variant.
Coding change: c.168+13941G>T on transcript NM_015021.3 (MANE Select); 13941 bases into the intron after coding-DNA position 168, G replaced by T.
Molecular consequence: intron variant.
Genome position (GRCh38, 1-based): chr6:87,169,700, G>T. VCF-style: chr6-87169700-G-T. GRCh37 (hg19) VCF-style: chr6-87879418-G-T.
Other names: c.-398+13941G>T (NM_001351444.2).
Identifiers: ClinVar variation 3257165 (VCV003257165.17).

ClinVar aggregate classification (germline): Likely benign (1 of 4 stars; one submission).

gnomAD v4.1: 20 of 443,866 alleles (0.0045%); highest among the groups gnomAD compares: Non-Finnish European, 0.0086%; no homozygotes.

Submission:

CeGaT Center for Human Genetics Tuebingen
Classification: Likely benign. Last evaluated: 2024-07-01. Review status: criteria provided, single submitter. Criteria: CeGaT Center For Human Genetics Tuebingen Variant Classification Criteria Version 2. Collection method: clinical testing. Allele origin: germline. Affected: yes. Observed: 1 variant allele.
Comment: ZNF292: BP4